The following is an entry in ClinVar:

NM_003924.4(PHOX2B):c.761C>T (p.Ala254Val)

Genes: PHOX2B (paired like homeobox 2B; minus strand), LOC110011216 (paired like homeobox 2b polyalanine repeat instability region; plus strand). Cytogenetic location: 4p13.
Variant type: single nucleotide variant.
Coding change: c.761C>T on transcript NM_003924.4 (MANE Select); coding-DNA position 761, C replaced by T.
Protein change: p.Ala254Val; replaces alanine 254 with valine.
Molecular consequence: missense variant.
Genome position (GRCh38, 1-based): chr4:41,745,991, G>A on the plus strand (C>T on the coding strand, the complement: PHOX2B is on the minus strand). VCF-style: chr4-41745991-G-A. GRCh37 (hg19) VCF-style: chr4-41748008-G-A.
Other names: short protein forms A254V.
Identifiers: ClinVar variation 2625356 (VCV002625356.5), dbSNP rs2552096808, ClinGen allele CA356737183.

ClinVar aggregate classification (germline): Uncertain significance. Review status: criteria provided, multiple submitters, no conflicts (2 of 4 stars). 2 submissions from 2 submitters: Uncertain significance (2). Last evaluated 2023-09-04.

Conditions:
Hereditary cancer-predisposing syndrome. Also called: Tumor predisposition; Hereditary Cancer Syndrome; Hereditary neoplastic syndrome; Neoplastic Syndromes, Hereditary. Identifiers: Orphanet 140162, MedGen C0027672, MeSH D009386, MONDO:0015356.
Haddad syndrome (OHD). Also called: Ondine-Hirschsprung disease. Identifiers: Orphanet 99803, MedGen C1859049, MONDO:0020493.

Submissions (2):

Ambry Genetics
Classification: Uncertain significance for Hereditary cancer-predisposing syndrome. Last evaluated: 2023-09-04. Review status: criteria provided, single submitter. Criteria: Ambry Variant Classification Scheme 2023. Collection method: clinical testing. Allele origin: germline.
Comment: The p.A254V variant (also known as c.761C>T), located in coding exon 3 of the PHOX2B gene, results from a C to T substitution at nucleotide position 761. The alanine at codon 254 is replaced by valine, an amino acid with similar properties. This amino acid position is conserved. In addition, the in silico prediction for this alteration is inconclusive. Since supporting evidence is limited at this time, the clinical significance of this alteration remains unclear.

Labcorp Genetics (formerly Invitae), Labcorp
Classification: Uncertain significance for Haddad syndrome. Last evaluated: 2023-08-11. Review status: criteria provided, single submitter. Criteria: Invitae Variant Classification Sherloc (09022015). Collection method: clinical testing. Allele origin: germline.
Comment: In summary, the available evidence is currently insufficient to determine the role of this variant in disease. Therefore, it has been classified as a Variant of Uncertain Significance. Experimental studies and prediction algorithms are not available or were not evaluated, and the functional significance of this variant is currently unknown. This variant has not been reported in the literature in individuals affected with PHOX2B-related conditions. This variant is not present in population databases (gnomAD no frequency). This sequence change replaces alanine, which is neutral and non-polar, with valine, which is neutral and non-polar, at codon 254 of the PHOX2B protein (p.Ala254Val).